The following is an entry in ClinVar:

Conditions:
Long QT syndrome 5 (LQT5). Identifiers: Orphanet 101016, Orphanet 768, MedGen C1867904, MONDO:0013372, OMIM 613695.

Submission:

Roden Lab, Vanderbilt University Medical Center
No classification provided (evidence only). Condition: Long QT syndrome 5. Review status: no classification provided. Collection method: in vitro. Allele origin: not applicable. Functional consequence: Effect on ion channel function.
ClinVar note: "not provided" was previously submitted as the classification for the variant. However, the classification appeared to be based only on an observation of functional data so it was converted to no classification on 2025-07-30.

NM_000219.6(KCNE1):c.361C>T (p.His121Tyr)

Gene: KCNE1 (potassium voltage-gated channel subfamily E regulatory subunit 1; minus strand). Cytogenetic location: 21q22.12.
Variant type: single nucleotide variant.
Coding change: c.361C>T on transcript NM_000219.6 (MANE Select); coding-DNA position 361, C replaced by T.
Protein change: p.His121Tyr; replaces histidine 121 with tyrosine.
Molecular consequence: missense variant.
Genome position (GRCh38, 1-based): chr21:34,449,274, G>A on the plus strand (C>T on the coding strand, the complement: KCNE1 is on the minus strand). VCF-style: chr21-34449274-G-A. GRCh37 (hg19) VCF-style: chr21-35821572-G-A.
Other names: c.361C>T, p.His121Tyr (NM_001127668.4, NM_001127669.4, NM_001127670.4 and 4 more transcripts); short protein forms H121Y.
Identifiers: ClinVar variation 3373815 (VCV003373815.2).